The following is an entry in ClinVar:

NM_000843.4(GRM6):c.1649T>A (p.Val550Glu)

Genes: GRM6 (glutamate metabotropic receptor 6; minus strand), ZNF454 (zinc finger protein 454; plus strand). Cytogenetic location: 5q35.3.
Variant type: single nucleotide variant.
Coding change: c.1649T>A on transcript NM_000843.4 (MANE Select); coding-DNA position 1649, T replaced by A.
Protein change: p.Val550Glu; replaces valine 550 with glutamic acid.
Molecular consequence: missense variant.
Genome position (GRCh38, 1-based): chr5:178,986,605, A>T on the plus strand (T>A on the coding strand, the complement: GRM6 is on the minus strand). VCF-style: chr5-178986605-A-T. GRCh37 (hg19) VCF-style: chr5-178413606-A-T.
Other names: c.1649T>A (NM_000843.3); short protein forms V550E.
Identifiers: ClinVar variation 1389997 (VCV001389997.5), dbSNP rs201576815, ClinGen allele CA3593967.
Genomic context (GRCh38, chr5:178,986,605, plus strand): 5'-CCCGTGTGGTTGGGCGTGGGCCTCATGTCCCCAGGACAGGCCTCGCATGTGAACTCGTCC[A>T]CCTGGAAGCGGTACCCGTCACAGGCCTCGCAGTGCCAACAGCAGGGGACGCCCTTCACCA-3'
Protein context (NP_000834.2, residues 540-560): CEACDGYRFQ[Val550Glu]DEFTCEACPG

ClinVar aggregate classification (germline): Uncertain significance. Review status: criteria provided, multiple submitters, no conflicts (2 of 4 stars). 3 submissions from 3 submitters: Uncertain significance (3). Last evaluated 2025-11-24.

Conditions:
Inborn genetic diseases. Identifiers: MedGen C0950123, MeSH D030342.

gnomAD v4.1: 65 of 1,604,254 alleles (0.0041%); highest among the groups gnomAD compares: Non-Finnish European, 0.0055%; no homozygotes.

Submissions (3):

Ambry Genetics
Classification: Uncertain significance for Inborn genetic diseases. Last evaluated: 2025-11-24. Review status: criteria provided, single submitter. Criteria: Ambry Variant Classification Scheme 2023. Collection method: clinical testing. Allele origin: germline.

Blueprint Genetics
Classification: Uncertain significance. Last evaluated: 2024-04-18. Review status: criteria provided, single submitter. Criteria: ACMG Guidelines, 2015. Collection method: clinical testing. Allele origin: germline.

Labcorp Genetics (formerly Invitae), Labcorp
Classification: Uncertain significance. Last evaluated: 2022-08-29. Review status: criteria provided, single submitter. Criteria: Invitae Variant Classification Sherloc (09022015). Collection method: clinical testing. Allele origin: germline.
Comment: This sequence change replaces valine, which is neutral and non-polar, with glutamic acid, which is acidic and polar, at codon 550 of the GRM6 protein (p.Val550Glu). This variant is present in population databases (rs201576815, gnomAD 0.007%). This variant has not been reported in the literature in individuals affected with GRM6-related conditions. ClinVar contains an entry for this variant (Variation ID: 1389997). Advanced modeling of protein sequence and biophysical properties (such as structural, functional, and spatial information, amino acid conservation, physicochemical variation, residue mobility, and thermodynamic stability) performed at Invitae indicates that this missense variant is not expected to disrupt GRM6 protein function. In summary, the available evidence is currently insufficient to determine the role of this variant in disease. Therefore, it has been classified as a Variant of Uncertain Significance.